The following is an entry in ClinVar:

ClinVar aggregate classification (germline): Uncertain significance (1 of 4 stars; one submission).

Conditions:
Cardiovascular phenotype. Identifiers: MedGen CN230736.

Submission:

Ambry Genetics
Classification: Uncertain significance for Cardiovascular phenotype. Last evaluated: 2026-07-21. Review status: criteria provided, single submitter. Criteria: Ambry Variant Classification Scheme 2023. Collection method: clinical testing. Allele origin: germline.
Comment: The p.E244K variant (also known as c.730G>A), located in coding exon 5 of the ACVRL1 gene, results from a G to A substitution at nucleotide position 730. The glutamic acid at codon 244 is replaced by lysine, an amino acid with similar properties. This amino acid position is conserved. In addition, this alteration is predicted to be deleterious by in silico analysis. Based on the available evidence, the clinical significance of this variant remains unclear.

NM_000020.3(ACVRL1):c.730G>A (p.Glu244Lys)

Gene: ACVRL1 (activin A receptor like type 1; plus strand). Cytogenetic location: 12q13.13.
Variant type: single nucleotide variant.
Coding change: c.730G>A on transcript NM_000020.3 (MANE Select); coding-DNA position 730, G replaced by A.
Protein change: p.Glu244Lys; replaces glutamic acid 244 with lysine.
Molecular consequence: missense variant.
Genome position (GRCh38, 1-based): chr12:51,914,543, G>A. VCF-style: chr12-51914543-G-A. GRCh37 (hg19) VCF-style: chr12-52308327-G-A.
Other names: c.730G>A, p.Glu244Lys (NM_001077401.2, NM_001406487.1, NM_001406488.1 and 1 more transcripts); c.418G>A, p.Glu140Lys (NM_001406490.1, NM_001406491.1, NM_001406492.1 and 2 more transcripts); c.166G>A, p.Glu56Lys (NM_001406495.1); short protein forms E140K, E244K, E56K.
Identifiers: ClinVar variation 5032697 (VCV005032697.1).